The following is an entry in ClinVar:

ClinVar aggregate classification (germline): Uncertain significance (1 of 4 stars; one submission).

Conditions:
Reticular dysgenesis. Also called: HEMATOPOIETIC HYPOPLASIA, GENERALIZED; ALEUKOCYTOSIS; CONGENITAL ALEUKIA; RETICULAR DYSGENESIA; SEVERE COMBINED IMMUNODEFICIENCY WITH LEUKOPENIA; DeVaal disease. Identifiers: Orphanet 33355, MedGen C0272167, MONDO:0009973, OMIM 267500.

Allele frequency attached by ClinVar (database versions not stated): ExAC 0.00017; gnomAD exomes 0.00022; ESP Exome Variant Server 0.00023; gnomAD 0.00032; TOPMed 0.00032.
gnomAD v4.1: 737 of 1,612,798 alleles (0.046%); highest among the groups gnomAD compares: Non-Finnish European, 0.06%; no homozygotes.

Submission:

Labcorp Genetics (formerly Invitae), Labcorp
Classification: Uncertain significance for Reticular dysgenesis. Last evaluated: 2024-01-31. Review status: criteria provided, single submitter. Criteria: Invitae Variant Classification Sherloc (09022015). Collection method: clinical testing. Allele origin: germline.
Comment: This sequence change replaces serine, which is neutral and polar, with isoleucine, which is neutral and non-polar, at codon 75 of the AK2 protein (p.Ser75Ile). This variant is present in population databases (rs140838488, gnomAD 0.05%). This variant has not been reported in the literature in individuals affected with AK2-related conditions. ClinVar contains an entry for this variant (Variation ID: 655866). An algorithm developed to predict the effect of missense changes on protein structure and function (PolyPhen-2) suggests that this variant is likely to be disruptive. In summary, the available evidence is currently insufficient to determine the role of this variant in disease. Therefore, it has been classified as a Variant of Uncertain Significance.

NM_001625.4(AK2):c.224G>T (p.Ser75Ile)

Gene: AK2 (adenylate kinase 2; minus strand). Cytogenetic location: 1p35.1.
Variant type: single nucleotide variant.
Coding change: c.224G>T on transcript NM_001625.4 (MANE Select); coding-DNA position 224, G replaced by T.
Protein change: p.Ser75Ile; replaces serine 75 with isoleucine.
Molecular consequence: missense variant. On other transcripts: non-coding transcript variant (1).
Genome position (GRCh38, 1-based): chr1:33,021,699, C>A on the plus strand (G>T on the coding strand, the complement: AK2 is on the minus strand). VCF-style: chr1-33021699-C-A. GRCh37 (hg19) VCF-style: chr1-33487300-C-A.
Other names: c.224G>T, p.Ser75Ile (NM_001199199.3, NM_001319141.3, NM_001319143.2 and 1 more transcripts); c.80G>T, p.Ser27Ile (NM_001319139.3, NM_001319140.2); c.98G>T, p.Ser33Ile (NM_001319142.3); short protein forms S33I, S27I, S75I.
Identifiers: ClinVar variation 655866 (VCV000655866.6), dbSNP rs140838488, ClinGen allele CA747206.